The following is an entry in ClinVar:

NM_001723.7(DST):c.5553A>G (p.Gln1851=)

Gene: DST (dystonin; minus strand). Cytogenetic location: 6p12.1.
Variant type: single nucleotide variant.
Coding change: c.5553A>G on transcript NM_001723.7 (MANE Plus Clinical); coding-DNA position 5553, A replaced by G.
Protein change: p.Gln1851=; no amino-acid change (glutamine 1851 retained).
Molecular consequence: synonymous variant. On other transcripts: intron variant (10).
Genome position (GRCh38, 1-based): chr6:56,618,481, T>C on the plus strand (A>G on the coding strand, the complement: DST is on the minus strand). VCF-style: chr6-56618481-T-C. GRCh37 (hg19) VCF-style: chr6-56483279-T-C.
Other names: c.4831-3997A>G (NM_001144769.5); c.4930-3997A>G (NM_001374722.1, NM_001374736.1); c.4957-3997A>G (NM_001374734.1); c.4417-3997A>G (NM_001144770.2); c.4297-3997A>G (NM_001374730.1, NM_001386100.1, NM_183380.4 and 1 more transcripts); c.3319-3997A>G (NM_015548.5).
Identifiers: ClinVar variation 706031 (VCV000706031.13), dbSNP rs141945514, ClinGen allele CA3870344.

ClinVar aggregate classification (germline): Benign. Review status: criteria provided, single submitter (1 of 4 stars). 2 submissions from 2 submitters: Benign (1). 1 of the submissions does not count toward it. Last evaluated 2025-12-28.

Conditions:
Hereditary sensory and autonomic neuropathy type 6. Also called: Neuropathy, hereditary sensory and autonomic, type VI; HSAN VI. Identifiers: Orphanet 314381, MedGen C3539003, MONDO:0013839, OMIM 614653.
Epidermolysis bullosa simplex 3, localized or generalized intermediate, with BP230 deficiency (EBS3). Also called: Epidermolysis bullosa simplex, autosomal recessive 2; Epidermolysis bullosa simplex due to BP230 deficiency. Identifiers: Orphanet 412181, MedGen C3809470, MONDO:0014180, OMIM 615425.
DST-related disorder. Also called: DST-related condition; DST-related disorders.

Allele frequency attached by ClinVar (database versions not stated): gnomAD exomes 0.00007 and 0.00022; ExAC 0.00029; 1000 Genomes Project 30x 0.00047; 1000 Genomes Project 0.00060; gnomAD 0.00074 and 0.00076; TOPMed 0.00084; ESP Exome Variant Server 0.00123.
gnomAD v4.1: 220 of 1,614,210 alleles (0.014%); highest among the groups gnomAD compares: African/African-American, 0.24%; no homozygotes.

Submissions (2):

Labcorp Genetics (formerly Invitae), Labcorp
Classification: Benign for Epidermolysis bullosa simplex 3, localized or generalized intermediate, with BP230 deficiency; Hereditary sensory and autonomic neuropathy type 6. Last evaluated: 2025-12-28. Review status: criteria provided, single submitter. Criteria: Invitae Variant Classification Sherloc (09022015). Collection method: clinical testing. Allele origin: germline.

PreventionGenetics, part of Exact Sciences
Classification: Likely benign for DST-related condition. Last evaluated: 2024-06-26. Review status: no assertion criteria provided. Collection method: clinical testing. Allele origin: germline. Not counted in ClinVar's aggregate classification.
Comment: This variant is classified as likely benign based on ACMG/AMP sequence variant interpretation guidelines (Richards et al. 2015 PMID: 25741868, with internal and published modifications).